The following is an entry in ClinVar:

NM_000834.5(GRIN2B):c.3669C>G (p.His1223Gln)

Gene: GRIN2B (glutamate ionotropic receptor NMDA type subunit 2B; minus strand). Cytogenetic location: 12p13.1.
Variant type: single nucleotide variant.
Coding change: c.3669C>G on transcript NM_000834.5 (MANE Select); coding-DNA position 3669, C replaced by G.
Protein change: p.His1223Gln; replaces histidine 1223 with glutamine.
Molecular consequence: missense variant.
Genome position (GRCh38, 1-based): chr12:13,563,569, G>C on the plus strand (C>G on the coding strand, the complement: GRIN2B is on the minus strand). VCF-style: chr12-13563569-G-C. GRCh37 (hg19) VCF-style: chr12-13716503-G-C.
Other names: short protein forms H1223Q.
Identifiers: ClinVar variation 1721972 (VCV001721972.6), dbSNP rs2497467561, ClinGen allele CA383987831.

ClinVar aggregate classification (germline): Uncertain significance (1 of 4 stars; one submission).

Conditions:
Intellectual developmental disorder, autosomal dominant 6, with or without seizures. Also called: GRIN2B-related developmental delay, intellectual disability and autism spectrum disorder; Intellectual disability, autosomal dominant 6. Identifiers: Orphanet 589547, MedGen C3151411, MONDO:0013509, OMIM 613970.
Developmental and epileptic encephalopathy, 27 (DEE27). Also called: GRIN2B-Related Neurodevelopmental Disorder; Epileptic encephalopathy, early infantile, 27. Identifiers: Orphanet 3451, MedGen C4015316, MONDO:0014505, OMIM 616139.

Submission:

Labcorp Genetics (formerly Invitae), Labcorp
Classification: Uncertain significance for Developmental and epileptic encephalopathy, 27; Intellectual developmental disorder, autosomal dominant 6, with or without seizures. Last evaluated: 2022-10-20. Review status: criteria provided, single submitter. Criteria: Invitae Variant Classification Sherloc (09022015). Collection method: clinical testing. Allele origin: germline.
Comment: In summary, the available evidence is currently insufficient to determine the role of this variant in disease. Therefore, it has been classified as a Variant of Uncertain Significance. Advanced modeling of protein sequence and biophysical properties (such as structural, functional, and spatial information, amino acid conservation, physicochemical variation, residue mobility, and thermodynamic stability) performed at Invitae indicates that this missense variant is not expected to disrupt GRIN2B protein function. This variant has not been reported in the literature in individuals affected with GRIN2B-related conditions. This variant is not present in population databases (gnomAD no frequency). This sequence change replaces histidine, which is basic and polar, with glutamine, which is neutral and polar, at codon 1223 of the GRIN2B protein (p.His1223Gln).